The following is an entry in ClinVar:

ClinVar aggregate classification (germline): Uncertain significance (1 of 4 stars; one submission).

Allele frequency attached by ClinVar (database versions not stated): TOPMed below 0.00001; gnomAD exomes 0.00001.
gnomAD v4.1: 3 of 1,613,728 alleles (0.00019%); highest among the groups gnomAD compares: Non-Finnish European, 0.00025%; no homozygotes.

Submission:

Labcorp Genetics (formerly Invitae), Labcorp
Classification: Uncertain significance. Last evaluated: 2022-08-21. Review status: criteria provided, single submitter. Criteria: Invitae Variant Classification Sherloc (09022015). Collection method: clinical testing. Allele origin: germline.
Comment: In summary, the available evidence is currently insufficient to determine the role of this variant in disease. Therefore, it has been classified as a Variant of Uncertain Significance. Advanced modeling of protein sequence and biophysical properties (such as structural, functional, and spatial information, amino acid conservation, physicochemical variation, residue mobility, and thermodynamic stability) performed at Invitae indicates that this missense variant is not expected to disrupt CLCN2 protein function. This variant has not been reported in the literature in individuals affected with CLCN2-related conditions. This variant is present in population databases (no rsID available, gnomAD 0.0009%). This sequence change replaces lysine, which is basic and polar, with arginine, which is basic and polar, at codon 35 of the CLCN2 protein (p.Lys35Arg).

NM_004366.6(CLCN2):c.104A>G (p.Lys35Arg)

Gene: CLCN2 (chloride voltage-gated channel 2; minus strand). Cytogenetic location: 3q27.1.
Variant type: single nucleotide variant.
Coding change: c.104A>G on transcript NM_004366.6 (MANE Select); coding-DNA position 104, A replaced by G.
Protein change: p.Lys35Arg; replaces lysine 35 with arginine.
Molecular consequence: missense variant.
Genome position (GRCh38, 1-based): chr3:184,359,091, T>C on the plus strand (A>G on the coding strand, the complement: CLCN2 is on the minus strand). VCF-style: chr3-184359091-T-C. GRCh37 (hg19) VCF-style: chr3-184076879-T-C.
Other names: c.104A>G, p.Lys35Arg (NM_001171087.3, NM_001171088.3, NM_001171089.3); short protein forms K35R.
Identifiers: ClinVar variation 1717419 (VCV001717419.5), dbSNP rs1165093104, ClinGen allele CA355458410.